The following is an entry in ClinVar:

ClinVar aggregate classification (germline): Benign (1 of 4 stars; one submission).

Allele frequency attached by ClinVar (database versions not stated): gnomAD 0.05400 and 0.05795; TOPMed 0.05973; 1000 Genomes Project 0.06849.
gnomAD v4.1: 7,988 of 149,230 alleles (5.4%); highest among the groups gnomAD compares: African/African-American, 19%; 740 homozygotes.

Submission:

GeneDx
Classification: Benign. Last evaluated: 2018-06-19. Review status: criteria provided, single submitter. Criteria: GeneDx Variant Classification (06012015). Collection method: clinical testing. Allele origin: germline. Affected: yes.
Comment: This variant is considered likely benign or benign based on one or more of the following criteria: it is a conservative change, it occurs at a poorly conserved position in the protein, it is predicted to be benign by multiple in silico algorithms, and/or has population frequency not consistent with disease.

NM_001347721.2(DYRK1A):c.207+273G>A

Gene: DYRK1A (dual specificity tyrosine phosphorylation regulated kinase 1A; plus strand). Cytogenetic location: 21q22.13.
Variant type: single nucleotide variant.
Coding change: c.207+273G>A on transcript NM_001347721.2 (MANE Select); 273 bases into the intron after coding-DNA position 207, G replaced by A.
Molecular consequence: intron variant.
Genome position (GRCh38, 1-based): chr21:37,473,153, G>A. VCF-style: chr21-37473153-G-A. GRCh37 (hg19) VCF-style: chr21-38845455-G-A.
Other names: c.207+273G>A (NM_001396.5, NM_001347722.2, NM_101395.2 and 2 more transcripts); c.120+273G>A (NM_001347723.2).
Identifiers: ClinVar variation 669820 (VCV000669820.1), dbSNP rs16995170, ClinGen allele CA320472245.